The following is an entry in ClinVar:

NM_000489.6(ATRX):c.3220T>C (p.Cys1074Arg)

Gene: ATRX (ATRX chromatin remodeler; minus strand). Cytogenetic location: Xq21.1.
Variant type: single nucleotide variant.
Coding change: c.3220T>C on transcript NM_000489.6 (MANE Select); coding-DNA position 3220, T replaced by C.
Protein change: p.Cys1074Arg; replaces cysteine 1074 with arginine.
Molecular consequence: missense variant.
Genome position (GRCh38, 1-based): chrX:77,682,036, A>G on the plus strand (T>C on the coding strand, the complement: ATRX is on the minus strand). VCF-style: chrX-77682036-A-G. GRCh37 (hg19) VCF-style: chrX-76937528-A-G.
Other names: c.3106T>C, p.Cys1036Arg (NM_138270.5); short protein forms C1036R, C1074R.
Identifiers: ClinVar variation 1919037 (VCV001919037.5), dbSNP rs2148578866, ClinGen allele CA413707281.

ClinVar aggregate classification (germline): Uncertain significance (1 of 4 stars; one submission).

Conditions:
Alpha thalassemia-X-linked intellectual disability syndrome (ATRX). Also called: ATR, NONDELETION TYPE; ATR-X syndrome; Alpha thalassemia mental retardation syndrome, nondeletion type, X-linked; XLMR hypotonic face syndrome; ALPHA-THALASSEMIA/MENTAL RETARDATION SYNDROME, X-LINKED; X-linked alpha-thalassemia-mental retardation syndrome. Identifiers: Orphanet 847, MedGen C1845055, MONDO:0010519, OMIM 301040.

Submission:

Labcorp Genetics (formerly Invitae), Labcorp
Classification: Uncertain significance for Alpha thalassemia-X-linked intellectual disability syndrome. Last evaluated: 2022-11-01. Review status: criteria provided, single submitter. Criteria: Invitae Variant Classification Sherloc (09022015). Collection method: clinical testing. Allele origin: germline.
Comment: This sequence change replaces cysteine, which is neutral and slightly polar, with arginine, which is basic and polar, at codon 1074 of the ATRX protein (p.Cys1074Arg). This variant is not present in population databases (gnomAD no frequency). This variant has not been reported in the literature in individuals affected with ATRX-related conditions. Advanced modeling of protein sequence and biophysical properties (such as structural, functional, and spatial information, amino acid conservation, physicochemical variation, residue mobility, and thermodynamic stability) performed at Invitae indicates that this missense variant is not expected to disrupt ATRX protein function. In summary, the available evidence is currently insufficient to determine the role of this variant in disease. Therefore, it has been classified as a Variant of Uncertain Significance.